The following is an entry in ClinVar:

ClinVar aggregate classification (germline): Conflicting classifications of pathogenicity. Review status: criteria provided, conflicting classifications (1 of 4 stars). 6 submissions from 5 submitters: Uncertain significance (2); Likely benign (4). Last evaluated 2025-12-08.

Conditions:
DYNC1H1-related disorder. Also called: DYNC1H1-related condition; DYNC1H1-related disorders. Identifiers: MedGen CN381529.
Autosomal dominant cerebellar ataxia. Also called: Spinocerebellar Ataxia, Dominant. Identifiers: Orphanet 99, MedGen C4087347, MONDO:0020380.
Inborn genetic diseases. Identifiers: MedGen C0950123, MeSH D030342.
Charcot-Marie-Tooth disease axonal type 2O. Also called: Charcot-Marie-Tooth Neuropathy Type 2O; Charcot-Marie-Tooth disease, axonal, type 20; CHARCOT-MARIE-TOOTH NEUROPATHY, AXONAL, TYPE 2O; CHARCOT-MARIE-TOOTH DISEASE, AXONAL, AUTOSOMAL DOMINANT, TYPE 2O. Identifiers: Orphanet 284232, MedGen C3280220, MONDO:0013644, OMIM 614228.

Allele frequency attached by ClinVar (database versions not stated): ExAC 0.00004; gnomAD 0.00004 and 0.00005; TOPMed 0.00005; gnomAD exomes 0.00006 and 0.00007; ESP Exome Variant Server 0.00008.
gnomAD v4.1: 120 of 1,614,064 alleles (0.0074%); highest among the groups gnomAD compares: Non-Finnish European, 0.0091%; no homozygotes.

Submissions (6):

Labcorp Genetics (formerly Invitae), Labcorp
Classification: Likely benign for Charcot-Marie-Tooth disease axonal type 2O. Last evaluated: 2025-12-08. Review status: criteria provided, single submitter. Criteria: Invitae Variant Classification Sherloc (09022015). Collection method: clinical testing. Allele origin: germline.

PreventionGenetics, part of Exact Sciences
Classification: Likely benign for DYNC1H1-related condition. Last evaluated: 2025-11-03. Review status: criteria provided, single submitter. Criteria: ACMG Guidelines, 2015. Collection method: clinical testing. Allele origin: germline.
Comment: This variant is classified as likely benign based on ACMG/AMP sequence variant interpretation guidelines (Richards et al. 2015 PMID: 25741868, with internal and published modifications).

CeGaT Center for Human Genetics Tuebingen
Classification: Likely benign. Last evaluated: 2023-03-01. Review status: criteria provided, single submitter. Criteria: CeGaT Center For Human Genetics Tuebingen Variant Classification Criteria Version 2. Collection method: clinical testing. Allele origin: germline. Affected: yes. Observed: 1 variant allele.
Comment: DYNC1H1: BP4

Ambry Genetics
Classification: Likely benign for Inborn genetic diseases. Last evaluated: 2020-02-20. Review status: criteria provided, single submitter. Criteria: Ambry Variant Classification Scheme 2023. Collection method: clinical testing. Allele origin: germline.

Illumina Laboratory Services, Illumina
Classification: Uncertain significance for Spinocerebellar Ataxia, Dominant. Last evaluated: 2018-01-12. Review status: criteria provided, single submitter. Criteria: ICSL Variant Classification Criteria 13 December 2019. Collection method: clinical testing. Allele origin: germline.

Illumina Laboratory Services, Illumina
Classification: Uncertain significance for Charcot-Marie-Tooth disease axonal type 2O. Last evaluated: 2018-01-12. Review status: criteria provided, single submitter. Criteria: ICSL Variant Classification Criteria 13 December 2019. Collection method: clinical testing. Allele origin: germline.

NM_001376.5(DYNC1H1):c.11873G>T (p.Gly3958Val)

Gene: DYNC1H1 (dynein cytoplasmic 1 heavy chain 1; plus strand). Cytogenetic location: 14q32.31.
Variant type: single nucleotide variant.
Coding change: c.11873G>T on transcript NM_001376.5 (MANE Select); coding-DNA position 11873, G replaced by T.
Protein change: p.Gly3958Val; replaces glycine 3958 with valine.
Molecular consequence: missense variant.
Genome position (GRCh38, 1-based): chr14:102,040,605, G>T. VCF-style: chr14-102040605-G-T. GRCh37 (hg19) VCF-style: chr14-102506942-G-T.
Other names: short protein forms G3958V.
Identifiers: ClinVar variation 833984 (VCV000833984.44), dbSNP rs150118849, ClinGen allele CA7353766.